The following is an entry in ClinVar:

NM_001365951.3(KIF1B):c.4910C>G (p.Ser1637Cys)

Gene: KIF1B (kinesin family member 1B; plus strand). Cytogenetic location: 1p36.22.
Variant type: single nucleotide variant.
Coding change: c.4910C>G on transcript NM_001365951.3 (MANE Select); coding-DNA position 4910, C replaced by G.
Protein change: p.Ser1637Cys; replaces serine 1637 with cysteine.
Molecular consequence: missense variant.
Genome position (GRCh38, 1-based): chr1:10,371,226, C>G. VCF-style: chr1-10371226-C-G. GRCh37 (hg19) VCF-style: chr1-10431284-C-G.
Other names: c.4910C>G, p.Ser1637Cys (NM_001365952.1); c.4772C>G, p.Ser1591Cys (NM_015074.3); short protein forms S1591C, S1637C.
Identifiers: ClinVar variation 3226518 (VCV003226518.1), dbSNP rs2521952269, ClinGen allele CA338327755.

ClinVar aggregate classification (germline): Uncertain significance (1 of 4 stars; one submission).

Submission:

Ambry Genetics
Classification: Uncertain significance. Last evaluated: 2024-03-14. Review status: criteria provided, single submitter. Criteria: Ambry Variant Classification Scheme 2023. Collection method: clinical testing. Allele origin: germline.
Comment: The p.S1591C variant (also known as c.4772C>G), located in coding exon 42 of the KIF1B gene, results from a C to G substitution at nucleotide position 4772. The serine at codon 1591 is replaced by cysteine, an amino acid with dissimilar properties. This amino acid position is conserved. In addition, this alteration is predicted to be tolerated by in silico analysis. Based on the available evidence, the clinical significance of this alteration remains unclear.